The following is an entry in ClinVar:

NM_133642.5(LARGE1):c.1827A>G (p.Ser609=)

Gene: LARGE1 (LARGE xylosyl- and glucuronyltransferase 1; minus strand). Cytogenetic location: 22q12.3.
Variant type: single nucleotide variant.
Coding change: c.1827A>G on transcript NM_133642.5 (MANE Select); coding-DNA position 1827, A replaced by G.
Protein change: p.Ser609=; no amino-acid change (serine 609 retained).
Molecular consequence: synonymous variant. On other transcripts: intron variant (3).
Genome position (GRCh38, 1-based): chr22:33,283,252, T>C on the plus strand (A>G on the coding strand, the complement: LARGE1 is on the minus strand). VCF-style: chr22-33283252-T-C. GRCh37 (hg19) VCF-style: chr22-33679238-T-C.
Other names: p.S609S:TCA>TCG; p.Ser609=; c.1827A>G, p.Ser609= (NM_001362949.2, NM_001362951.2, NM_001362953.2 and 4 more transcripts); c.1671A>G, p.Ser557= (NM_001378629.1); c.1224A>G, p.Ser408= (NM_001378630.1); c.1731-5997A>G (NM_001378627.1, NM_001378628.1); c.972-5997A>G (NM_001378631.1); c.1827A>G (NM_004737.6).
Identifiers: ClinVar variation 95169 (VCV000095169.28), dbSNP rs11913417, ClinGen allele CA285632.

ClinVar aggregate classification (germline): Benign. Review status: criteria provided, multiple submitters, no conflicts (2 of 4 stars). 11 submissions from 10 submitters: Benign (8). 3 of the submissions do not count toward it. Last evaluated 2026-02-04.

Conditions:
Muscular dystrophy-dystroglycanopathy type B6 (MDDGB6). Also called: MUSCULAR DYSTROPHY-DYSTROGLYCANOPATHY (CONGENITAL WITH IMPAIRED INTELLECTUAL DEVELOPMENT), TYPE B, 6; MUSCULAR DYSTROPHY, CONGENITAL, LARGE-RELATED; MUSCULAR DYSTROPHY, CONGENITAL, TYPE 1D. Identifiers: MedGen C1837229, MONDO:0012138, OMIM 608840.
Muscular dystrophy-dystroglycanopathy (congenital with brain and eye anomalies), type A6. Also called: WALKER-WARBURG SYNDROME OR MUSCLE-EYE-BRAIN DISEASE, LARGE-RELATED; MUSCULAR DYSTROPHY-DYSTROGLYCANOPATHY (CONGENITAL WITH BRAIN AND EYE ANOMALIES), TYPE A, 6. Identifiers: Orphanet 588, Orphanet 899, MedGen C3150414, MONDO:0013158, OMIM 613154.

Allele frequency attached by ClinVar (database versions not stated): gnomAD exomes 0.01588; ExAC 0.01714; gnomAD 0.02196 and 0.02224; ESP Exome Variant Server 0.02491; TOPMed 0.02521; 1000 Genomes Project 30x 0.03623; 1000 Genomes Project 0.03634.
gnomAD v4.1: 15,756 of 1,614,120 alleles (0.98%); highest among the groups gnomAD compares: African/African-American, 6.1%; 386 homozygotes.

Submissions (11):

Labcorp Genetics (formerly Invitae), Labcorp
Classification: Benign for Muscular dystrophy-dystroglycanopathy type B6. Last evaluated: 2026-02-04. Review status: criteria provided, single submitter. Criteria: Invitae Variant Classification Sherloc (09022015). Collection method: clinical testing. Allele origin: germline.

Mayo Clinic Laboratories, Mayo Clinic
Classification: Benign. Last evaluated: 2018-03-12. Review status: criteria provided, single submitter. Criteria: ACMG Guidelines, 2015. Collection method: clinical testing. Allele origin: germline. Observed: 42 variant alleles.

Illumina Laboratory Services, Illumina
Classification: Benign for Muscular dystrophy-dystroglycanopathy type B6. Last evaluated: 2018-01-13. Review status: criteria provided, single submitter. Criteria: ICSL Variant Classification Criteria 13 December 2019. Collection method: clinical testing. Allele origin: germline.
Comment: This variant was observed in the ICSL laboratory as part of a predisposition screen in an ostensibly healthy population. It had not been previously curated by ICSL or reported in the Human Gene Mutation Database (HGMD: prior to June 1st, 2018), and was therefore a candidate for classification through an automated scoring system. Utilizing variant allele frequency, disease prevalence and penetrance estimates, and inheritance mode, an automated score was calculated to assess if this variant is too frequent to cause the disease. Based on the score and internal cut-off values, a variant classified as benign is not then subjected to further curation. The score for this variant resulted in a classification of benign for this disease.

Illumina Laboratory Services, Illumina
Classification: Benign for Muscular dystrophy-dystroglycanopathy (congenital with brain and eye anomalies), type A6. Last evaluated: 2018-01-13. Review status: criteria provided, single submitter. Criteria: ICSL Variant Classification Criteria 13 December 2019. Collection method: clinical testing. Allele origin: germline.
Comment: the same text as in the submission from Illumina Laboratory Services, Illumina above.

GeneDx
Classification: Benign. Last evaluated: 2014-03-31. Review status: criteria provided, single submitter. Criteria: GeneDx Variant Classification (06012015). Collection method: clinical testing. Allele origin: germline. Affected: yes.
Comment: This variant is considered likely benign or benign based on one or more of the following criteria: it is a conservative change, it occurs at a poorly conserved position in the protein, it is predicted to be benign by multiple in silico algorithms, and/or has population frequency not consistent with disease.

Eurofins Ntd Llc (ga)
Classification: Benign. Last evaluated: 2012-11-15. Review status: criteria provided, single submitter. Criteria: EGL Classification Definitions 2015. Collection method: clinical testing. Allele origin: germline. Observed: 3 variant alleles, 3 heterozygotes.

Breakthrough Genomics
Classification: Benign. Review status: criteria provided, single submitter. Criteria: ACMG Guidelines, 2015. Collection method: not provided. Allele origin: germline. Inheritance: Autosomal recessive inheritance. Affected: yes.

PreventionGenetics, part of Exact Sciences
Classification: Benign. Review status: criteria provided, single submitter. Criteria: ACMG Guidelines, 2015. Collection method: clinical testing. Allele origin: germline.

Clinical Genetics DNA and cytogenetics Diagnostics Lab, Erasmus MC, Erasmus Medical Center
Classification: Benign. Review status: no assertion criteria provided. Collection method: clinical testing. Allele origin: germline. Affected: yes. Study: VKGL Data-share Consensus. Not counted in ClinVar's aggregate classification.

Genetic Services Laboratory, University of Chicago
Classification: Likely benign. Review status: no assertion criteria provided. Collection method: clinical testing. Allele origin: germline. Inheritance: Autosomal recessive inheritance. Not counted in ClinVar's aggregate classification.
Comment: Likely benign based on allele frequency in 1000 Genomes Project or ESP global frequency and its presence in a patient with a rare or unrelated disease phenotype. NOT Sanger confirmed

Joint Genome Diagnostic Labs from Nijmegen and Maastricht, Radboudumc and MUMC+
Classification: Benign. Review status: no assertion criteria provided. Collection method: clinical testing. Allele origin: germline. Affected: yes. Study: VKGL Data-share Consensus. Not counted in ClinVar's aggregate classification.